The following is an entry in ClinVar:

ClinVar aggregate classification (germline): Uncertain significance (1 of 4 stars; one submission).

Conditions:
PCNT-related disorder. Also called: PCNT-related condition.

gnomAD v4.1: 8 of 1,613,904 alleles (0.0005%); highest among the groups gnomAD compares: African/African-American, 0.0013%; no homozygotes.

Submission:

PreventionGenetics, part of Exact Sciences
Classification: Uncertain significance for PCNT-related condition. Last evaluated: 2025-02-20. Review status: criteria provided, single submitter. Criteria: ACMG Guidelines, 2015. Collection method: clinical testing. Allele origin: germline.
Comment: The PCNT c.4630A>G variant is predicted to result in the amino acid substitution p.Asn1544Asp. To our knowledge, this variant has not been reported in the literature or in a large population database (gnomAD), indicating this variant is rare. At this time, the clinical significance of this variant is uncertain due to the absence of conclusive functional and genetic evidence.

NM_006031.6(PCNT):c.4630A>G (p.Asn1544Asp)

Gene: PCNT (pericentrin; plus strand). Cytogenetic location: 21q22.3.
Variant type: single nucleotide variant.
Coding change: c.4630A>G on transcript NM_006031.6 (MANE Select); coding-DNA position 4630, A replaced by G.
Protein change: p.Asn1544Asp; replaces asparagine 1544 with aspartic acid.
Molecular consequence: missense variant.
Genome position (GRCh38, 1-based): chr21:46,399,635, A>G. VCF-style: chr21-46399635-A-G. GRCh37 (hg19) VCF-style: chr21-47819549-A-G.
Other names: c.4276A>G, p.Asn1426Asp (NM_001315529.2); short protein forms N1544D, N1426D.
Identifiers: ClinVar variation 4999407 (VCV004999407.1).
Genomic context (GRCh38, chr21:46,399,635, plus strand): 5'-TTTTTGTTGTTTTAGGTTGAGTTGTTACAACAAAAGTTGAGAGAAAAGTTGGATGAATTT[A>G]ATGAATTGGCTATACAGAAAGAGTCGGCAGATAGACAAGTGTTAATGCAGGAAGAAGAAA-3'
Protein context (NP_006022.3, residues 1534-1554): QKLREKLDEF[Asn1544Asp]ELAIQKESAD